The following is an entry in ClinVar:

ClinVar aggregate classification (germline): Conflicting classifications of pathogenicity. Review status: criteria provided, conflicting classifications (1 of 4 stars). 2 submissions from 2 submitters: Uncertain significance (1); Likely benign (1). Last evaluated 2025-12-09.

Allele frequency attached by ClinVar (database versions not stated): TOPMed 0.00003; gnomAD exomes 0.00004; gnomAD 0.00005 and 0.00006; ExAC 0.00002.

Submissions (2):

Labcorp Genetics (formerly Invitae), Labcorp
Classification: Uncertain significance. Last evaluated: 2025-12-09. Review status: criteria provided, single submitter. Criteria: Invitae Variant Classification Sherloc (09022015). Collection method: clinical testing. Allele origin: germline.
Comment: This sequence change replaces arginine, which is basic and polar, with glutamine, which is neutral and polar, at codon 893 of the A2ML1 protein (p.Arg893Gln). This variant is present in population databases (rs780281065, gnomAD 0.02%). This variant has not been reported in the literature in individuals affected with A2ML1-related conditions. ClinVar contains an entry for this variant (Variation ID: 956581). An algorithm developed to predict the effect of missense changes on protein structure and function outputs the following: PolyPhen-2: "Benign". The glutamine amino acid residue is found in multiple mammalian species, which suggests that this missense change does not adversely affect protein function. Algorithms developed to predict the effect of sequence changes on RNA splicing suggest that this variant may disrupt the consensus splice site. In summary, the available evidence is currently insufficient to determine the role of this variant in disease. Therefore, it has been classified as a Variant of Uncertain Significance.

Ambry Genetics
Classification: Likely benign. Last evaluated: 2022-08-24. Review status: criteria provided, single submitter. Criteria: Ambry Variant Classification Scheme 2023. Collection method: clinical testing. Allele origin: germline.

NM_144670.6(A2ML1):c.2678G>A (p.Arg893Gln)

Gene: A2ML1 (alpha-2-macroglobulin like 1; plus strand). Cytogenetic location: 12p13.31.
Variant type: single nucleotide variant.
Coding change: c.2678G>A on transcript NM_144670.6 (MANE Select); coding-DNA position 2678, G replaced by A.
Protein change: p.Arg893Gln; replaces arginine 893 with glutamine.
Molecular consequence: missense variant.
Genome position (GRCh38, 1-based): chr12:8,854,215, G>A. VCF-style: chr12-8854215-G-A. GRCh37 (hg19) VCF-style: chr12-9006811-G-A.
Other names: c.1205G>A, p.Arg402Gln (NM_001282424.3); short protein forms R402Q, R893Q.
Identifiers: ClinVar variation 956581 (VCV000956581.9), dbSNP rs780281065, ClinGen allele CA6436089.